The following is an entry in ClinVar:

NM_000302.4(PLOD1):c.1027G>A (p.Glu343Lys)

Gene: PLOD1 (procollagen-lysine,2-oxoglutarate 5-dioxygenase 1; plus strand). Cytogenetic location: 1p36.22.
Variant type: single nucleotide variant.
Coding change: c.1027G>A on transcript NM_000302.4 (MANE Select); coding-DNA position 1027, G replaced by A.
Protein change: p.Glu343Lys; replaces glutamic acid 343 with lysine.
Molecular consequence: missense variant.
Genome position (GRCh38, 1-based): chr1:11,960,697, G>A. VCF-style: chr1-11960697-G-A. GRCh37 (hg19) VCF-style: chr1-12020754-G-A.
Other names: c.1168G>A, p.Glu390Lys (NM_001316320.2); short protein forms E343K, E390K.
Identifiers: ClinVar variation 834110 (VCV000834110.12), dbSNP rs748344499, ClinGen allele CA598242.

ClinVar aggregate classification (germline): Uncertain significance. Review status: criteria provided, multiple submitters, no conflicts (2 of 4 stars). 3 submissions from 3 submitters: Uncertain significance (3). Last evaluated 2025-12-19.

Conditions:
Familial thoracic aortic aneurysm and aortic dissection (TAAD). Also called: Thoracic aortic aneurysms and dissections. Identifiers: Orphanet 91387, MedGen C4707243, MONDO:0019625.
Ehlers-Danlos syndrome, kyphoscoliotic type 1 (EDSKSCL1). Also called: EHLERS-DANLOS SYNDROME, TYPE VIA; EHLERS-DANLOS SYNDROME, OCULAR-SCOLIOTIC TYPE; PLOD1-Related Kyphoscoliotic Ehlers-Danlos Syndrome; Ehlers-Danlos syndrome, hydroxylysine-deficient. Identifiers: Orphanet 1900, MedGen C0268342, MONDO:0016002, OMIM 225400. Disease mechanism: loss of function.

Allele frequency attached by ClinVar (database versions not stated): gnomAD exomes below 0.00001 and 0.00002; ExAC 0.00001; TOPMed 0.00002; gnomAD 0.00001.
gnomAD v4.1: 29 of 1,613,300 alleles (0.0018%); highest among the groups gnomAD compares: East Asian, 0.0045%; no homozygotes.

Submissions (3):

Ambry Genetics
Classification: Uncertain significance for Familial thoracic aortic aneurysm and aortic dissection. Last evaluated: 2025-12-19. Review status: criteria provided, single submitter. Criteria: Ambry Variant Classification Scheme 2023. Collection method: clinical testing. Allele origin: germline.
Comment: The p.E343K variant (also known as c.1027G>A), located in coding exon 10 of the PLOD1 gene, results from a G to A substitution at nucleotide position 1027. The glutamic acid at codon 343 is replaced by lysine, an amino acid with similar properties. This amino acid position is not well conserved in available vertebrate species. In addition, this alteration is predicted to be tolerated by in silico analysis. Since supporting evidence is limited at this time, the clinical significance of this alteration remains unclear.

Women's Health and Genetics/Laboratory Corporation of America, LabCorp
Classification: Uncertain significance. Last evaluated: 2024-05-20. Review status: criteria provided, single submitter. Criteria: LabCorp Variant Classification Summary - May 2015. Collection method: clinical testing. Allele origin: germline.

Labcorp Genetics (formerly Invitae), Labcorp
Classification: Uncertain significance for Ehlers-Danlos syndrome, kyphoscoliotic type 1. Last evaluated: 2022-02-03. Review status: criteria provided, single submitter. Criteria: Invitae Variant Classification Sherloc (09022015). Collection method: clinical testing. Allele origin: germline.
Comment: This sequence change replaces glutamic acid, which is acidic and polar, with lysine, which is basic and polar, at codon 343 of the PLOD1 protein (p.Glu343Lys). This variant is present in population databases (rs748344499, gnomAD 0.006%). This variant has not been reported in the literature in individuals affected with PLOD1-related conditions. ClinVar contains an entry for this variant (Variation ID: 834110). Algorithms developed to predict the effect of missense changes on protein structure and function output the following: SIFT: "Tolerated"; PolyPhen-2: "Benign"; Align-GVGD: "Class C0". The lysine amino acid residue is found in multiple mammalian species, which suggests that this missense change does not adversely affect protein function. In summary, the available evidence is currently insufficient to determine the role of this variant in disease. Therefore, it has been classified as a Variant of Uncertain Significance.